The following is an entry in ClinVar:

ClinVar aggregate classification (germline): Uncertain significance (1 of 4 stars; one submission).

Conditions:
Primary ciliary dyskinesia. Also called: Ciliary dyskinesia. Identifiers: Orphanet 244, MedGen C0008780, MONDO:0016575, HP:0012265.

gnomAD v4.1: 6 of 1,614,210 alleles (0.00037%); highest among the groups gnomAD compares: Admixed American, 0.0017%; no homozygotes.

Submission:

Ambry Genetics
Classification: Uncertain significance for Primary ciliary dyskinesia. Last evaluated: 2026-03-29. Review status: criteria provided, single submitter. Criteria: Ambry Variant Classification Scheme 2023. Collection method: clinical testing. Allele origin: germline.
Comment: The p.M270T variant (also known as c.809T>C), located in coding exon 5 of the RSPH9 gene, results from a T to C substitution at nucleotide position 809. The methionine at codon 270 is replaced by threonine, an amino acid with similar properties. This amino acid position is conserved. In addition, this alteration is predicted to be tolerated by in silico analysis. Based on the available evidence, the clinical significance of this variant remains unclear.

NM_152732.5(RSPH9):c.809T>C (p.Met270Thr)

Gene: RSPH9 (radial spoke head component 9; plus strand). Cytogenetic location: 6p21.1.
Variant type: single nucleotide variant.
Coding change: c.809T>C on transcript NM_152732.5 (MANE Select); coding-DNA position 809, T replaced by C.
Protein change: p.Met270Thr; replaces methionine 270 with threonine.
Molecular consequence: missense variant. On other transcripts: synonymous variant (2), non-coding transcript variant (2).
Genome position (GRCh38, 1-based): chr6:43,670,927, T>C. VCF-style: chr6-43670927-T-C. GRCh37 (hg19) VCF-style: chr6-43638664-T-C.
Other names: c.861T>C, p.His287= (NM_001193341.2); c.906T>C, p.His302= (NM_001424119.1); c.764T>C, p.Met255Thr (NM_001424120.1); short protein forms M255T, M270T.
Identifiers: ClinVar variation 4863507 (VCV004863507.1).
Genomic context (GRCh38, chr6:43,670,927, plus strand): 5'-ACCATGCTCCCCGCACCAAGAACTATGGCTACGTCTACGTGGGCACTGGCGAGAAGAACA[T>C]GGACTTGCCCTTCATGCTATAGAATGGGAGCCAGCCTGGATGTTTTTAAACAGAGTCTAA-3'
Protein context (NP_689945.2, residues 260-276): YVYVGTGEKN[Met270Thr]DLPFML